The following is an entry in ClinVar:

NM_000540.3(RYR1):c.9472C>T (p.Leu3158=)

Gene: RYR1 (ryanodine receptor 1; plus strand). Cytogenetic location: 19q13.2.
Variant type: single nucleotide variant.
Coding change: c.9472C>T on transcript NM_000540.3 (MANE Select); coding-DNA position 9472, C replaced by T.
Protein change: p.Leu3158=; no amino-acid change (leucine 3158 retained).
Molecular consequence: synonymous variant.
Genome position (GRCh38, 1-based): chr19:38,512,483, C>T. VCF-style: chr19-38512483-C-T. GRCh37 (hg19) VCF-style: chr19-39003123-C-T.
Other names: c.9472C>T, p.Leu3158= (NM_001042723.2).
Identifiers: ClinVar variation 853097 (VCV000853097.12), dbSNP rs770942162, ClinGen allele CA073657.

ClinVar aggregate classification (germline): Conflicting classifications of pathogenicity. Review status: criteria provided, conflicting classifications (1 of 4 stars). 4 submissions from 4 submitters: Uncertain significance (2); Likely benign (2). Last evaluated 2025-10-02.

Conditions:
Malignant hyperthermia, susceptibility to, 1 (MHS1). Also called: Anesthesia related hyperthermia; Malignant hyperpyrexia; Fulminating hyperpyrexia; Pharmacogenic myopathy; RYR1-Related Malignant Hyperthermia Susceptibility; Malignant hyperthermia suceptibility 1. Identifiers: Orphanet 423, MedGen C2930980, MONDO:0007783, OMIM 145600.
Congenital myopathy with fiber type disproportion. Also called: Congenital fiber-type disproportion; Congenital fiber-type disproportion myopathy. Identifiers: Orphanet 2020, MedGen C0546264, MONDO:0009711. Inheritance: all.
Central core myopathy (CMYO1A). Also called: CONGENITAL MYOPATHY 1A, AUTOSOMAL DOMINANT, WITH SUSCEPTIBILITY TO MALIGNANT HYPERTHERMIA; Central core disease; Myopathy, central fibrillar. Identifiers: Orphanet 597, MedGen C5830701, MONDO:0007294, OMIM 117000.
Congenital multicore myopathy with external ophthalmoplegia (CMYO1B). Also called: MULTICORE MYOPATHY; MULTIMINICORE DISEASE WITH EXTERNAL OPHTHALMOPLEGIA; Congenital myopathy 1B, autosomal recessive; Minicore myopathy; Minicore myopathy with external ophthalmoplegia. Identifiers: Orphanet 598, Orphanet 98905, MedGen C1850674, MONDO:0009712, OMIM 255320, HP:0003789.
King Denborough syndrome (KDS). Identifiers: MedGen C1840365, MONDO:0020485, OMIM 619542.
RYR1-related disorder. Also called: RYR1-related disorders; RYR1-related condition. Identifiers: MedGen CN239331.

Allele frequency attached by ClinVar (database versions not stated): ExAC 0.00003; gnomAD exomes 0.00003; TOPMed 0.00005; gnomAD 0.00006 and 0.00007.
gnomAD v4.1: 113 of 1,609,520 alleles (0.007%); highest among the groups gnomAD compares: Middle Eastern, 0.016%; no homozygotes.

Submissions (4):

Labcorp Genetics (formerly Invitae), Labcorp
Classification: Uncertain significance for RYR1-related disorder. Last evaluated: 2025-10-02. Review status: criteria provided, single submitter. Criteria: Invitae Variant Classification Sherloc (09022015). Collection method: clinical testing. Allele origin: germline.
Comment: This sequence change affects codon 3158 of the RYR1 mRNA. It is a 'silent' change, meaning that it does not change the encoded amino acid sequence of the RYR1 protein. It affects a nucleotide within the consensus splice site. This variant is present in population databases (rs770942162, gnomAD 0.006%). This variant has not been reported in the literature in individuals affected with RYR1-related conditions. ClinVar contains an entry for this variant (Variation ID: 853097). Algorithms developed to predict the effect of sequence changes on RNA splicing suggest that this variant is not likely to affect RNA splicing. In summary, the available evidence is currently insufficient to determine the role of this variant in disease. Therefore, it has been classified as a Variant of Uncertain Significance.

All of Us Research Program, National Institutes of Health
Classification: Likely benign for Malignant hyperthermia, susceptibility to, 1. Last evaluated: 2024-05-30. Review status: criteria provided, single submitter. Criteria: ACMG Guidelines, 2015. Collection method: clinical testing. Allele origin: germline. Inheritance: Autosomal dominant inheritance. Observed: 17 variant alleles, 17 heterozygotes.
Comment: This study involves interpretation of variants in research participants for the purpose of population health screening. Participant phenotype was not available at the time of variant classification. Additional details can be found in publication PMID: 35346344, PMCID: PMC8962531

Color Diagnostics, LLC DBA Color Health
Classification: Likely benign for Malignant hyperthermia, susceptibility to, 1. Last evaluated: 2024-05-14. Review status: criteria provided, single submitter. Criteria: ACMG Guidelines, 2015. Collection method: clinical testing. Allele origin: germline.

Fulgent Genetics
Classification: Uncertain significance for Central core myopathy; Malignant hyperthermia, susceptibility to, 1; Congenital myopathy 4A, autosomal dominant; Congenital multicore myopathy with external ophthalmoplegia; King Denborough syndrome. Last evaluated: 2021-10-16. Review status: criteria provided, single submitter. Criteria: ACMG Guidelines, 2015. Collection method: clinical testing. Allele origin: unknown.